The following is an entry in ClinVar:

NM_001366207.1(DLG1):c.1832A>T (p.Lys611Ile)

Gene: DLG1 (discs large MAGUK scaffold protein 1; minus strand). Cytogenetic location: 3q29.
Variant type: single nucleotide variant.
Coding change: c.1832A>T on transcript NM_001366207.1 (MANE Select); coding-DNA position 1832, A replaced by T.
Protein change: p.Lys611Ile; replaces lysine 611 with isoleucine.
Molecular consequence: missense variant. On other transcripts: non-coding transcript variant (4).
Genome position (GRCh38, 1-based): chr3:197,085,586, T>A on the plus strand (A>T on the coding strand, the complement: DLG1 is on the minus strand). VCF-style: chr3-197085586-T-A. GRCh37 (hg19) VCF-style: chr3-196812457-T-A.
Other names: c.1931A>T, p.Lys644Ile (NM_001098424.1, NM_001290983.2, NM_001366214.1 and 2 more transcripts); c.1832A>T, p.Lys611Ile (NM_001204386.1, NM_001363865.1, NM_001366204.1 and 9 more transcripts); c.1583A>T, p.Lys528Ile (NM_001204387.2, NM_001204388.2); c.1778A>T, p.Lys593Ile (NM_001366203.1, NM_001366206.1, NM_001366216.1 and 2 more transcripts); c.1682A>T, p.Lys561Ile (NM_001366221.1, NM_001366222.1); short protein forms K528I, K561I, K593I, K611I, K644I.
Identifiers: ClinVar variation 2632418 (VCV002632418.1), dbSNP rs763877437, ClinGen allele CA2785377.
Genomic context (GRCh38, chr3:197,085,586, plus strand): 5'-AGAACATCAATTATTTATGTTGCCTCACATTCAAGTGGTAAGAAACAGGCATACCTGCGT[T>A]TACTGGGAATCACTCCGACCTCATCGCTCTCACCATCTGGTGTAACCTGCCTGGCTTGCC-3'
Protein context (NP_001353136.1, residues 601-621): ESDEVGVIPS[Lys611Ile]RRVEKKERAR

ClinVar aggregate classification (germline): Uncertain significance (1 of 4 stars; one submission).

Conditions:
DLG1-related disorder. Also called: DLG1-related condition.

Allele frequency attached by ClinVar (database versions not stated): gnomAD 0.00001; gnomAD exomes 0.00001; TOPMed 0.00001; ExAC 0.00002.
gnomAD v4.1: 24 of 1,613,856 alleles (0.0015%); highest among the groups gnomAD compares: Non-Finnish European, 0.0018%; no homozygotes.

Submission:

PreventionGenetics, part of Exact Sciences
Classification: Uncertain significance for DLG1-related condition. Last evaluated: 2023-06-07. Review status: criteria provided, single submitter. Criteria: ACMG Guidelines, 2015. Collection method: clinical testing. Allele origin: germline.
Comment: The DLG1 c.1931A>T variant is predicted to result in the amino acid substitution p.Lys644Ile. To our knowledge, this variant has not been reported in the literature. This variant is reported in 0.0026% of alleles in individuals of European (Non-Finnish) descent in gnomAD. At this time, the clinical significance of this variant is uncertain due to the absence of conclusive functional and genetic evidence.